The following is an entry in ClinVar:

NM_001256545.2(MEGF10):c.2320T>C (p.Cys774Arg)

Gene: MEGF10 (multiple EGF like domains 10; plus strand). Cytogenetic location: 5q23.2.
Variant type: single nucleotide variant.
Coding change: c.2320T>C on transcript NM_001256545.2 (MANE Select); coding-DNA position 2320, T replaced by C.
Protein change: p.Cys774Arg; replaces cysteine 774 with arginine.
Molecular consequence: missense variant.
Genome position (GRCh38, 1-based): chr5:127,440,825, T>C. VCF-style: chr5-127440825-T-C. GRCh37 (hg19) VCF-style: chr5-126776517-T-C.
Other names: c.2320T>C, p.Cys774Arg (NM_032446.3); short protein forms C774R.
Identifiers: ClinVar variation 30965 (VCV000030965.15), dbSNP rs387907072, ClinGen allele CA129572.

ClinVar aggregate classification (germline): Pathogenic/Likely pathogenic. Review status: criteria provided, multiple submitters, no conflicts (2 of 4 stars). 5 submissions from 4 submitters: Pathogenic (1); Likely pathogenic (2). 2 of the submissions do not count toward it. Last evaluated 2025-02-03.

Conditions:
Congenital myopathy 10b, mild variant. Also called: Myopathy, areflexia, respiratory distress, and dysphagia, early-onset, mild variant. Identifiers: MedGen C3541476, MONDO:0859515, OMIM 620249.
MEGF10-related myopathy (CMYO10A). Also called: Congenital myopathy 10A, severe variant. Identifiers: Orphanet 439212, MedGen C3280679, MONDO:0013731, OMIM 614399.

Allele frequency attached by ClinVar (database versions not stated): ExAC 0.00001; gnomAD 0.00002; gnomAD exomes 0.00002 and 0.00005; TOPMed 0.00002.

Submissions (5):

Labcorp Genetics (formerly Invitae), Labcorp
Classification: Pathogenic for MEGF10-related myopathy. Last evaluated: 2025-02-03. Review status: criteria provided, single submitter. Criteria: Invitae Variant Classification Sherloc (09022015). Collection method: clinical testing. Allele origin: germline.
Comment: This sequence change replaces cysteine, which is neutral and slightly polar, with arginine, which is basic and polar, at codon 774 of the MEGF10 protein (p.Cys774Arg). This variant is present in population databases (rs387907072, gnomAD 0.005%). This missense change has been observed in individuals with congenital myopathy (PMID: 22101682, 22371254). It has also been observed to segregate with disease in related individuals. ClinVar contains an entry for this variant (Variation ID: 30965). An algorithm developed to predict the effect of missense changes on protein structure and function (PolyPhen-2) suggests that this variant is likely to be disruptive. Experimental studies have shown that this missense change affects MEGF10 function (PMID: 23954233, 28498977). For these reasons, this variant has been classified as Pathogenic.

GeneDx
Classification: Likely pathogenic. Last evaluated: 2022-09-29. Review status: criteria provided, single submitter. Criteria: GeneDx Variant Classification Process June 2021. Collection method: clinical testing. Allele origin: germline. Affected: yes.
Comment: Published functional studies suggest a damaging effect with impaired proliferation and migration of myoblasts (Saha et al., 2017); Not observed at significant frequency in large population cohorts (gnomAD); In silico analysis supports that this missense variant has a deleterious effect on protein structure/function; This variant is associated with the following publications: (PMID: 34740639, 34328698, 23954233, 22101682, 34828389, Chahin_2015_Abstract, 27460346, 27170117, 31267131, 22371254, 28498977)

Revvity Omics, Revvity
Classification: Likely pathogenic. Last evaluated: 2019-07-18. Review status: criteria provided, single submitter. Criteria: ACMG Guidelines, 2015. Collection method: clinical testing. Allele origin: germline.

OMIM
Classification: Pathogenic for CONGENITAL MYOPATHY 10A, SEVERE VARIANT. Last evaluated: 2012-05-01. Review status: no assertion criteria provided. Collection method: literature only. Allele origin: germline. Not counted in ClinVar's aggregate classification.

OMIM
Classification: Pathogenic for CONGENITAL MYOPATHY 10B, MILD VARIANT. Last evaluated: 2012-05-01. Review status: no assertion criteria provided. Collection method: literature only. Allele origin: germline. Not counted in ClinVar's aggregate classification.

Literature cited by the submitters: PubMed 22101682 (cited by Labcorp Genetics (formerly Invitae), Labcorp and OMIM); PubMed 22371254 (cited by Labcorp Genetics (formerly Invitae), Labcorp and OMIM); PubMed 23954233 (cited by Labcorp Genetics (formerly Invitae), Labcorp); PubMed 28498977 (cited by Labcorp Genetics (formerly Invitae), Labcorp and OMIM).